The following is an entry in ClinVar:

ClinVar aggregate classification (germline): Uncertain significance. Review status: criteria provided, multiple submitters, no conflicts (2 of 4 stars). 2 submissions from 2 submitters: Uncertain significance (2). Last evaluated 2026-09-01.

Conditions:
Lipodystrophy, partial, acquired, susceptibility to (APLD). Also called: APLD, SUSCEPTIBILITY TO. Identifiers: MedGen C3887501, MONDO:0100476, OMIM 608709.
Progressive myoclonic epilepsy type 9. Identifiers: Orphanet 457265, MedGen C4225289, MONDO:0014685, OMIM 616540.

Submissions (2):

CeGaT Center for Human Genetics Tuebingen
Classification: Uncertain significance. Last evaluated: 2026-09-01. Review status: criteria provided, single submitter. Criteria: CeGaT Center For Human Genetics Tuebingen Variant Classification Criteria Version 2. Collection method: clinical testing. Allele origin: germline. Affected: yes. Observed: 1 variant allele.
Comment: LMNB2: PM2, PM4:Supporting

Labcorp Genetics (formerly Invitae), Labcorp
Classification: Uncertain significance for Progressive myoclonic epilepsy type 9; Lipodystrophy, partial, acquired, susceptibility to. Last evaluated: 2023-02-03. Review status: criteria provided, single submitter. Criteria: Invitae Variant Classification Sherloc (09022015). Collection method: clinical testing. Allele origin: germline.
Comment: Experimental studies and prediction algorithms are not available or were not evaluated, and the functional significance of this variant is currently unknown. In summary, the available evidence is currently insufficient to determine the role of this variant in disease. Therefore, it has been classified as a Variant of Uncertain Significance. ClinVar contains an entry for this variant (Variation ID: 837379). This variant, c.757_759del, results in the deletion of 1 amino acid(s) of the LMNB2 protein (p.Asp253del), but otherwise preserves the integrity of the reading frame. This variant is present in population databases (rs780771322, gnomAD 0.006%). This variant has not been reported in the literature in individuals affected with LMNB2-related conditions.

NM_032737.4(LMNB2):c.757_759del (p.Asp253del)

Gene: LMNB2 (lamin B2; minus strand). Cytogenetic location: 19p13.3.
Variant type: Deletion.
Coding change: c.757_759del on transcript NM_032737.4 (MANE Select); coding-DNA positions 757 to 759, 3 bases deleted (GAC; older notation c.757_759delGAC).
Protein change: p.Asp253del; deletes aspartic acid 253.
Molecular consequence: inframe deletion.
Genome position (GRCh38, 1-based): chr19:2,435,097-2,435,099, GTC deleted on the plus strand (GAC on the coding strand, the reverse complement: LMNB2 is on the minus strand); deleting any 3 consecutive bases within chr19:2,435,097-2,435,101 gives the same sequence; the c. name uses the placement nearest the transcript's 3' end. VCF-style (leftmost placement, unchanged base first): chr19-2435096-AGTC-A. GRCh37 (hg19) VCF-style: chr19-2435094-AGTC-A.
Other names: short protein forms D253del.
Identifiers: ClinVar variation 837379 (VCV000837379.10), dbSNP rs780771322, ClinGen allele CA9067761.